The following is an entry in ClinVar:

NM_004655.4(AXIN2):c.1483G>T (p.Gly495Cys)

Gene: AXIN2 (axin 2; minus strand). Cytogenetic location: 17q24.1.
Variant type: single nucleotide variant.
Coding change: c.1483G>T on transcript NM_004655.4 (MANE Select); coding-DNA position 1483, G replaced by T.
Protein change: p.Gly495Cys; replaces glycine 495 with cysteine.
Molecular consequence: missense variant.
Genome position (GRCh38, 1-based): chr17:65,537,553, C>A on the plus strand (G>T on the coding strand, the complement: AXIN2 is on the minus strand). VCF-style: chr17-65537553-C-A. GRCh37 (hg19) VCF-style: chr17-63533671-C-A.
Other names: c.1483G>T, p.Gly495Cys (NM_001363813.1); short protein forms G495C.
Identifiers: ClinVar variation 4867311 (VCV004867311.1).
Genomic context (GRCh38, chr17:65,537,553, plus strand): 5'-GGACATGCTTCGTCGTCTGCTTGGTCACAAAGCCTTTGCCCCCGAGGAGGGGGCAGGCGC[C>A]CGGCGAGGCGGCCGCGGGAGGCAGCTTGCCACCGGGCGGGAGCAGGGAGTGGTACTGCGA-3'
Protein context (NP_004646.3, residues 485-505): GKLPPAAASP[Gly495Cys]ACPLLGGKGF

ClinVar aggregate classification (germline): Uncertain significance (1 of 4 stars; one submission).

Conditions:
Hereditary cancer-predisposing syndrome. Also called: Neoplastic Syndromes, Hereditary; Tumor predisposition; Hereditary Cancer Syndrome; Hereditary neoplastic syndrome. Identifiers: Orphanet 140162, MedGen C0027672, MeSH D009386, MONDO:0015356.

Submission:

Ambry Genetics
Classification: Uncertain significance for Hereditary cancer-predisposing syndrome. Last evaluated: 2026-05-11. Review status: criteria provided, single submitter. Criteria: Ambry Variant Classification Scheme 2023. Collection method: clinical testing. Allele origin: germline.
Comment: The p.G495C variant (also known as c.1483G>T), located in coding exon 5 of the AXIN2 gene, results from a G to T substitution at nucleotide position 1483. The glycine at codon 495 is replaced by cysteine, an amino acid with highly dissimilar properties. This amino acid position is poorly conserved in available vertebrate species. In addition, this alteration is predicted to be tolerated by in silico analysis. Based on the available evidence, the clinical significance of this variant remains unclear.